The following is an entry in ClinVar:

ClinVar aggregate classification (germline): Benign. Review status: criteria provided, multiple submitters, no conflicts (2 of 4 stars). 2 submissions from 2 submitters: Benign (2). Last evaluated 2020-02-18.

Allele frequency attached by ClinVar (database versions not stated): gnomAD exomes 0.38371; gnomAD 0.46811 and 0.46870; TOPMed 0.48092; 1000 Genomes Project 0.51777; 1000 Genomes Project 30x 0.52092.
gnomAD v4.1: 73,235 of 157,442 alleles (47%); highest among the groups gnomAD compares: African/African-American, 57%; 17,579 homozygotes.

Submissions (2):

GeneDx
Classification: Benign. Last evaluated: 2020-02-18. Review status: criteria provided, single submitter. Criteria: GeneDx Variant Classification Process June 2021. Collection method: clinical testing. Allele origin: germline. Affected: yes.
Comment: This variant is associated with the following publications: (PMID: 31214610)

Breakthrough Genomics
Classification: Benign. Review status: criteria provided, single submitter. Criteria: ACMG Guidelines, 2015. Collection method: not provided. Allele origin: germline. Inheritance: Unknown mechanism. Affected: yes.

NC_000019.10:g.38878729T>G

Genes: RINL (Ras and Rab interactor like; minus strand), SIRT2 (sirtuin 2; minus strand), LOC130064385 (ATAC-STARR-seq lymphoblastoid active region 14602; plus strand). Cytogenetic location: 19q13.2.
Variant type: single nucleotide variant.
Molecular consequence: 3 prime UTR variant (on NM_012237.4). On other transcripts: non-coding transcript variant (1).
Genome position: GRCh38 VCF-style: chr19-38878729-T-G. GRCh37 (hg19) VCF-style: chr19-39369369-T-G.
Other names: c.*628A>C (NM_001193286.2); c.*426A>C (NM_012237.4, NM_030593.3).
Identifiers: ClinVar variation 1269273 (VCV001269273.2), dbSNP rs2015, ClinGen allele CA14675981.